The following is an entry in ClinVar:

ClinVar aggregate classification (germline): Uncertain significance. Review status: criteria provided, multiple submitters, no conflicts (2 of 4 stars). 2 submissions from 2 submitters: Uncertain significance (2). Last evaluated 2024-07-24.

Conditions:
Inborn genetic diseases. Identifiers: MedGen C0950123, MeSH D030342.

Submissions (2):

Labcorp Genetics (formerly Invitae), Labcorp
Classification: Uncertain significance. Last evaluated: 2024-07-24. Review status: criteria provided, single submitter. Criteria: Invitae Variant Classification Sherloc (09022015). Collection method: clinical testing. Allele origin: germline.
Comment: This sequence change replaces phenylalanine, which is neutral and non-polar, with leucine, which is neutral and non-polar, at codon 13 of the CFI protein (p.Phe13Leu). This variant is not present in population databases (gnomAD no frequency). This variant has not been reported in the literature in individuals affected with CFI-related conditions. Advanced modeling of protein sequence and biophysical properties (such as structural, functional, and spatial information, amino acid conservation, physicochemical variation, residue mobility, and thermodynamic stability) performed at Invitae indicates that this missense variant is not expected to disrupt CFI protein function with a negative predictive value of 95%. In summary, the available evidence is currently insufficient to determine the role of this variant in disease. Therefore, it has been classified as a Variant of Uncertain Significance.

Ambry Genetics
Classification: Uncertain significance for Inborn genetic diseases. Last evaluated: 2023-10-06. Review status: criteria provided, single submitter. Criteria: Ambry Variant Classification Scheme 2023. Collection method: clinical testing. Allele origin: germline.

NM_000204.5(CFI):c.37T>C (p.Phe13Leu)

Gene: CFI (complement factor I; minus strand). Cytogenetic location: 4q25.
Variant type: single nucleotide variant.
Coding change: c.37T>C on transcript NM_000204.5 (MANE Select); coding-DNA position 37, T replaced by C.
Protein change: p.Phe13Leu; replaces phenylalanine 13 with leucine.
Molecular consequence: missense variant. On other transcripts: 5 prime UTR variant (1), non-coding transcript variant (3).
Genome position (GRCh38, 1-based): chr4:109,801,935, A>G on the plus strand (T>C on the coding strand, the complement: CFI is on the minus strand). VCF-style: chr4-109801935-A-G. GRCh37 (hg19) VCF-style: chr4-110723091-A-G.
Other names: c.37T>C, p.Phe13Leu (NM_001318057.2, NM_001331035.2, NM_001375278.1 and 5 more transcripts); c.-148T>C (NM_001375284.1); short protein forms F13L.
Identifiers: ClinVar variation 3143836 (VCV003143836.3), dbSNP rs758910398, ClinGen allele CA357853178.
Genomic context (GRCh38, chr4:109,801,935, plus strand): 5'-TATCAATTAAAATTGTTTGCATAAAGGTTGAATTACTTACCTTGCAAAACCTTAAGTGGA[A>G]GCACAGAAATAACAGGAAAACATGAAGAAGCTTCATGTTGGAGGTGTTCGGGGTCTTTGT-3'
Protein context (NP_000195.3, residues 3-23): LLHVFLLFLC[Phe13Leu]HLRFCKVTYT